The following is an entry in ClinVar:

ClinVar aggregate classification (germline): Uncertain significance. Review status: criteria provided, multiple submitters, no conflicts (2 of 4 stars). 2 submissions from 2 submitters: Uncertain significance (2). Last evaluated 2025-05-31.

Conditions:
Hereditary cancer-predisposing syndrome. Also called: Neoplastic Syndromes, Hereditary; Tumor predisposition; Hereditary neoplastic syndrome; Hereditary Cancer Syndrome. Identifiers: Orphanet 140162, MedGen C0027672, MeSH D009386, MONDO:0015356.

Submissions (2):

Ambry Genetics
Classification: Uncertain significance for Hereditary cancer-predisposing syndrome. Last evaluated: 2025-05-31. Review status: criteria provided, single submitter. Criteria: Ambry Variant Classification Scheme 2023. Collection method: clinical testing. Allele origin: germline.
Comment: The p.Q191R variant (also known as c.572A>G), located in coding exon 4 of the NTHL1 gene, results from an A to G substitution at nucleotide position 572. The glutamine at codon 191 is replaced by arginine, an amino acid with highly similar properties. This amino acid position is well conserved in available vertebrate species. In addition, this alteration is predicted to be tolerated by in silico analysis. Since supporting evidence is limited at this time, the clinical significance of this alteration remains unclear.

Labcorp Genetics (formerly Invitae), Labcorp
Classification: Uncertain significance. Last evaluated: 2022-10-03. Review status: criteria provided, single submitter. Criteria: Invitae Variant Classification Sherloc (09022015). Collection method: clinical testing. Allele origin: germline.
Comment: In summary, the available evidence is currently insufficient to determine the role of this variant in disease. Therefore, it has been classified as a Variant of Uncertain Significance. Algorithms developed to predict the effect of missense changes on protein structure and function are either unavailable or do not agree on the potential impact of this missense change (SIFT: "Not Available"; PolyPhen-2: "Benign"; Align-GVGD: "Not Available"). ClinVar contains an entry for this variant (Variation ID: 825926). This variant has not been reported in the literature in individuals affected with NTHL1-related conditions. This variant is not present in population databases (gnomAD no frequency). This sequence change replaces glutamine, which is neutral and polar, with arginine, which is basic and polar, at codon 191 of the NTHL1 protein (p.Gln191Arg).

NM_002528.7(NTHL1):c.548A>G (p.Gln183Arg)

Gene: NTHL1 (nth like DNA glycosylase 1; minus strand). Cytogenetic location: 16p13.3.
Variant type: single nucleotide variant.
Coding change: c.548A>G on transcript NM_002528.7 (MANE Select); coding-DNA position 548, A replaced by G.
Protein change: p.Gln183Arg; replaces glutamine 183 with arginine.
Molecular consequence: missense variant.
Genome position (GRCh38, 1-based): chr16:2,043,704, T>C on the plus strand (A>G on the coding strand, the complement: NTHL1 is on the minus strand). VCF-style: chr16-2043704-T-C. GRCh37 (hg19) VCF-style: chr16-2093705-T-C.
Other names: c.377A>G, p.Gln126Arg (NM_001318193.2); c.218A>G, p.Gln73Arg (NM_001318194.2); short protein forms Q126R, Q73R, Q183R.
Identifiers: ClinVar variation 825926 (VCV000825926.11), dbSNP rs1596219441, ClinGen allele CA394292368.
Genomic context (GRCh38, chr16:2,043,704, plus strand): 5'-AGCTCGGCCACAGAGGCTGGGATGTCCCCACCGTAGTGCTGCTGCAGGATGGCGCTGGTC[T>C]GCTTGATGTATTTCACCTTGCTCTGAAAGACAGGGGTGGGTTCAGCCTTGGAGGCAAGGG-3'
Protein context (NP_002519.2, residues 173-193): FWRSKVKYIK[Gln183Arg]TSAILQQHYG